The following is an entry in ClinVar:

ClinVar aggregate classification (germline): Uncertain significance (1 of 4 stars; one submission).

Allele frequency attached by ClinVar (database versions not stated): gnomAD exomes below 0.00001.
gnomAD v4.1: 4 of 1,613,610 alleles (0.00025%); highest among the groups gnomAD compares: African/African-American, 0.0013%; no homozygotes.

Submission:

CeGaT Center for Human Genetics Tuebingen
Classification: Uncertain significance. Last evaluated: 2022-08-01. Review status: criteria provided, single submitter. Criteria: CeGaT Center For Human Genetics Tuebingen Variant Classification Criteria Version 2. Collection method: clinical testing. Allele origin: germline. Affected: yes. Observed: 1 variant allele.
Comment: AUTS2: PM2

NM_015570.4(AUTS2):c.3178C>T (p.Arg1060Cys)

Gene: AUTS2 (activator of transcription and developmental regulator AUTS2; plus strand). Cytogenetic location: 7q11.22.
Variant type: single nucleotide variant.
Coding change: c.3178C>T on transcript NM_015570.4 (MANE Select); coding-DNA position 3178, C replaced by T.
Protein change: p.Arg1060Cys; replaces arginine 1060 with cysteine.
Molecular consequence: missense variant.
Genome position (GRCh38, 1-based): chr7:70,790,394, C>T. VCF-style: chr7-70790394-C-T. GRCh37 (hg19) VCF-style: chr7-70255380-C-T.
Other names: c.3106C>T, p.Arg1036Cys (NM_001127231.3); short protein forms R1036C, R1060C.
Identifiers: ClinVar variation 2657539 (VCV002657539.24), dbSNP rs2484990099, ClinGen allele CA367665637.